The following is an entry in ClinVar:

NM_001252024.2(TRPM1):c.2388T>A (p.Tyr796Ter)

Gene: TRPM1 (transient receptor potential cation channel subfamily M member 1; minus strand). Cytogenetic location: 15q13.3.
Variant type: single nucleotide variant.
Coding change: c.2388T>A on transcript NM_001252024.2 (MANE Select); coding-DNA position 2388, T replaced by A.
Protein change: p.Tyr796Ter; replaces tyrosine 796 with a stop codon.
Molecular consequence: nonsense.
Genome position (GRCh38, 1-based): chr15:31,038,095, A>T on the plus strand (T>A on the coding strand, the complement: TRPM1 is on the minus strand). VCF-style: chr15-31038095-A-T. GRCh37 (hg19) VCF-style: chr15-31330298-A-T.
Other names: c.2439T>A, p.Tyr813Ter (NM_001252020.2); c.2322T>A, p.Tyr774Ter (NM_002420.6); c.2322T>A (NM_002420.5); short protein forms Y796*, Y813*, Y774*.
Identifiers: ClinVar variation 1458159 (VCV001458159.8), dbSNP rs1183339720, ClinGen allele CA391547341.

ClinVar aggregate classification (germline): Pathogenic. Review status: criteria provided, multiple submitters, no conflicts (2 of 4 stars). 2 submissions from 2 submitters: Pathogenic (2). Last evaluated 2024-05-07.

Allele frequency attached by ClinVar (database versions not stated): TOPMed below 0.00001; gnomAD 0.00001.
gnomAD v4.1: 1 of 1,614,038 alleles (0.000062%); highest among the groups gnomAD compares: Non-Finnish European, 0.000085%; no homozygotes.

Submissions (2):

Labcorp Genetics (formerly Invitae), Labcorp
Classification: Pathogenic. Last evaluated: 2024-05-07. Review status: criteria provided, single submitter. Criteria: Invitae Variant Classification Sherloc (09022015). Collection method: clinical testing. Allele origin: germline.
Comment: This sequence change creates a premature translational stop signal (p.Tyr774*) in the TRPM1 gene. It is expected to result in an absent or disrupted protein product. Loss-of-function variants in TRPM1 are known to be pathogenic (PMID: 19896113, 19966281, 20300565). This variant is not present in population databases (gnomAD no frequency). This premature translational stop signal has been observed in individual(s) with congenital stationary night blindness (PMID: 19896113). ClinVar contains an entry for this variant (Variation ID: 1458159). For these reasons, this variant has been classified as Pathogenic.

GeneDx
Classification: Pathogenic. Last evaluated: 2023-02-10. Review status: criteria provided, single submitter. Criteria: GeneDx Variant Classification Process June 2021. Collection method: clinical testing. Allele origin: germline. Affected: yes.
Comment: Identified as a single heterozygous variant in a patient within published literature (Audo et al., 2009); Nonsense variant predicted to result in protein truncation or nonsense mediated decay in a gene for which loss of function is a known mechanism of disease; Not observed at significant frequency in large population cohorts (gnomAD); This variant is associated with the following publications: (PMID: 25525159, 19896113)

Literature cited by the submitters: PubMed 19896113 (cited by Labcorp Genetics (formerly Invitae), Labcorp); PubMed 19966281 (cited by Labcorp Genetics (formerly Invitae), Labcorp); PubMed 20300565 (cited by Labcorp Genetics (formerly Invitae), Labcorp).